The following is an entry in ClinVar:

NM_001035.3(RYR2):c.8575G>C (p.Glu2859Gln)

Gene: RYR2 (ryanodine receptor 2; plus strand). Cytogenetic location: 1q43.
Variant type: single nucleotide variant.
Coding change: c.8575G>C on transcript NM_001035.3 (MANE Select); coding-DNA position 8575, G replaced by C.
Protein change: p.Glu2859Gln; replaces glutamic acid 2859 with glutamine.
Molecular consequence: missense variant.
Genome position (GRCh38, 1-based): chr1:237,667,943, G>C. VCF-style: chr1-237667943-G-C. GRCh37 (hg19) VCF-style: chr1-237831243-G-C.
Other names: short protein forms E2859Q.
Identifiers: ClinVar variation 1997320 (VCV001997320.4), dbSNP rs2547168824, ClinGen allele CA345402619.

ClinVar aggregate classification (germline): Uncertain significance (1 of 4 stars; one submission).

Conditions:
Catecholaminergic polymorphic ventricular tachycardia 1. Also called: RYR2-Related Catecholaminergic Polymorphic Ventricular Tachycardia; VENTRICULAR TACHYCARDIA, CATECHOLAMINERGIC POLYMORPHIC, 1, WITH OR WITHOUT ATRIAL DYSFUNCTION AND/OR DILATED CARDIOMYOPATHY; VENTRICULAR TACHYCARDIA, STRESS-INDUCED POLYMORPHIC 1. Identifiers: Orphanet 3286, MedGen C1631597, MONDO:0011484, OMIM 604772.

Submission:

Labcorp Genetics (formerly Invitae), Labcorp
Classification: Uncertain significance for Catecholaminergic polymorphic ventricular tachycardia 1. Last evaluated: 2022-05-21. Review status: criteria provided, single submitter. Criteria: Invitae Variant Classification Sherloc (09022015). Collection method: clinical testing. Allele origin: germline.
Comment: Advanced modeling of protein sequence and biophysical properties (such as structural, functional, and spatial information, amino acid conservation, physicochemical variation, residue mobility, and thermodynamic stability) performed at Invitae indicates that this missense variant is expected to disrupt RYR2 protein function. In summary, the available evidence is currently insufficient to determine the role of this variant in disease. Therefore, it has been classified as a Variant of Uncertain Significance. This variant has not been reported in the literature in individuals affected with RYR2-related conditions. This sequence change replaces glutamic acid, which is acidic and polar, with glutamine, which is neutral and polar, at codon 2859 of the RYR2 protein (p.Glu2859Gln). This variant is not present in population databases (gnomAD no frequency).